The following is an entry in ClinVar:

NM_015634.4(KIFBP):c.606-238G>A

Gene: KIFBP (kinesin family binding protein; plus strand). Cytogenetic location: 10q22.1.
Variant type: single nucleotide variant.
Coding change: c.606-238G>A on transcript NM_015634.4 (MANE Select); 238 bases into the intron before coding-DNA position 606, G replaced by A.
Molecular consequence: intron variant.
Genome position (GRCh38, 1-based): chr10:69,005,494, G>A. VCF-style: chr10-69005494-G-A. GRCh37 (hg19) VCF-style: chr10-70765250-G-A.
Identifiers: ClinVar variation 682816 (VCV000682816.1), dbSNP rs66859037, ClinGen allele CA13193507.

ClinVar aggregate classification (germline): Benign (1 of 4 stars; one submission).

Allele frequency attached by ClinVar (database versions not stated): 1000 Genomes Project 0.09545; 1000 Genomes Project 30x 0.09572; TOPMed 0.11082; gnomAD 0.11277 and 0.11426.
gnomAD v4.1: 17,420 of 151,964 alleles (11%); highest among the groups gnomAD compares: Admixed American, 18%; 1,240 homozygotes.

Submission:

GeneDx
Classification: Benign. Last evaluated: 2018-06-19. Review status: criteria provided, single submitter. Criteria: GeneDx Variant Classification (06012015). Collection method: clinical testing. Allele origin: germline. Affected: yes.
Comment: This variant is considered likely benign or benign based on one or more of the following criteria: it is a conservative change, it occurs at a poorly conserved position in the protein, it is predicted to be benign by multiple in silico algorithms, and/or has population frequency not consistent with disease.